The following is an entry in ClinVar:

NM_000059.4(BRCA2):c.10232C>G (p.Thr3411Arg)

Gene: BRCA2 (BRCA2 DNA repair associated; plus strand). Cytogenetic location: 13q13.1.
Variant type: single nucleotide variant.
Coding change: c.10232C>G on transcript NM_000059.4 (MANE Select); coding-DNA position 10232, C replaced by G.
Protein change: p.Thr3411Arg; replaces threonine 3411 with arginine.
Molecular consequence: missense variant.
Genome position (GRCh38, 1-based): chr13:32,398,745, C>G. VCF-style: chr13-32398745-C-G. GRCh37 (hg19) VCF-style: chr13-32972882-C-G.
Other names: short protein forms T3411R.
Identifiers: ClinVar variation 657269 (VCV000657269.18), dbSNP rs864622402, ClinGen allele CA247509748.

ClinVar aggregate classification (germline): Conflicting classifications of pathogenicity. Review status: criteria provided, conflicting classifications (1 of 4 stars). 5 submissions from 5 submitters: Uncertain significance (4); Likely benign (1). Last evaluated 2025-05-27.

Conditions:
Breast-ovarian cancer, familial, susceptibility to, 2 (BROVCA2). Also called: BRCA2 Hereditary Breast and Ovarian Cancer. Identifiers: Orphanet 145, MedGen C2675520, MONDO:0012933, OMIM 612555. Disease mechanism: loss of function.
Hereditary cancer-predisposing syndrome. Also called: Neoplastic Syndromes, Hereditary; Hereditary neoplastic syndrome; Hereditary Cancer Syndrome; Tumor predisposition. Identifiers: Orphanet 140162, MedGen C0027672, MeSH D009386, MONDO:0015356.
Hereditary breast ovarian cancer syndrome. Also called: Hereditary breast and ovarian cancer; Breast and ovarian cancer; BRCA1- and BRCA2-Associated Hereditary Breast and Ovarian Cancer; Hereditary breast and ovarian cancer syndrome (HBOC); Hereditary breast and/or ovarian cancer syndrome; Hereditary breast and ovarian cancer syndrome. Identifiers: Orphanet 145, MedGen C0677776, MeSH D061325, MONDO:0003582. Disease mechanism: loss of function.

Allele frequency attached by ClinVar (database versions not stated): gnomAD 0.00001; TOPMed 0.00001; gnomAD exomes 0.00002.
gnomAD v4.1: 17 of 1,613,794 alleles (0.0011%); highest among the groups gnomAD compares: Non-Finnish European, 0.0014%; no homozygotes.

Submissions (5):

Labcorp Genetics (formerly Invitae), Labcorp
Classification: Uncertain significance for Hereditary breast ovarian cancer syndrome. Last evaluated: 2025-05-27. Review status: criteria provided, single submitter. Criteria: Invitae Variant Classification Sherloc (09022015). Collection method: clinical testing. Allele origin: germline.
Comment: This sequence change replaces threonine, which is neutral and polar, with arginine, which is basic and polar, at codon 3411 of the BRCA2 protein (p.Thr3411Arg). This variant is not present in population databases (gnomAD no frequency). This variant has not been reported in the literature in individuals affected with BRCA2-related conditions. ClinVar contains an entry for this variant (Variation ID: 657269). Invitae Evidence Modeling of protein sequence and biophysical properties (such as structural, functional, and spatial information, amino acid conservation, physicochemical variation, residue mobility, and thermodynamic stability) indicates that this missense variant is not expected to disrupt BRCA2 protein function with a negative predictive value of 95%. In summary, the available evidence is currently insufficient to determine the role of this variant in disease. Therefore, it has been classified as a Variant of Uncertain Significance.

Women's Health and Genetics/Laboratory Corporation of America, LabCorp
Classification: Uncertain significance. Last evaluated: 2024-10-07. Review status: criteria provided, single submitter. Criteria: LabCorp Variant Classification Summary - May 2015. Collection method: clinical testing. Allele origin: germline.
Comment: Variant summary: BRCA2 c.10232C>G (p.Thr3411Arg) results in a non-conservative amino acid change in the encoded protein sequence. Three of five in-silico tools predict a benign effect of the variant on protein function. The variant was absent in 250706 control chromosomes. In a large study evaluating breast cancer cases and controls in the Breast Cancer Association Consortium (BCAC), the variant was reported in 1/60466 cases, but was also found in 1/53461 controls (PMID: 33471991 through LOVD). The available data on variant occurrences in the general population are insufficient to allow any conclusion about variant significance. To our knowledge, no occurrence of c.10232C>G in individuals affected with Hereditary Breast And Ovarian Cancer Syndrome and no experimental evidence demonstrating its impact on protein function have been reported. ClinVar contains an entry for this variant (Variation ID: 657269). Based on the evidence outlined above, the variant was classified as uncertain significance.

Ambry Genetics
Classification: Likely benign for Hereditary cancer-predisposing syndrome. Last evaluated: 2024-06-06. Review status: criteria provided, single submitter. Criteria: Ambry Variant Classification Scheme 2023. Collection method: clinical testing. Allele origin: germline.

All of Us Research Program, National Institutes of Health
Classification: Uncertain significance for Breast-ovarian cancer, familial, susceptibility to, 2. Last evaluated: 2023-07-19. Review status: criteria provided, single submitter. Criteria: ACMG Guidelines, 2015. Collection method: clinical testing. Allele origin: germline. Inheritance: Autosomal dominant inheritance. Observed: 1 variant allele, 1 heterozygote.
Comment: This missense variant replaces threonine with arginine at codon 3411 of the BRCA2 protein. Computational prediction suggests that this variant may not impact protein structure and function (internally defined REVEL score threshold <= 0.5, PMID: 27666373). Splice site prediction tools suggest that this variant may not impact RNA splicing. To our knowledge, functional studies have not been performed for this variant. This variant has not been reported in individuals affected with hereditary cancer in the literature. This variant has not been identified in the general population by the Genome Aggregation Database (gnomAD). The available evidence is insufficient to determine the role of this variant in disease conclusively. Therefore, this variant is classified as a Variant of Uncertain Significance.

This study involves interpretation of variants in research participants for the purpose of population health screening. Participant phenotype was not available at the time of variant classification. Additional details can be found in publication PMID: 35346344, PMCID: PMC8962531

Color Diagnostics, LLC DBA Color Health
Classification: Uncertain significance for Hereditary cancer-predisposing syndrome. Last evaluated: 2023-03-20. Review status: criteria provided, single submitter. Criteria: ACMG Guidelines, 2015. Collection method: clinical testing. Allele origin: germline.
Comment: This missense variant replaces threonine with arginine at codon 3411 of the BRCA2 protein. Computational prediction suggests that this variant may not impact protein structure and function (internally defined REVEL score threshold <= 0.5, PMID: 27666373). To our knowledge, functional studies have not been reported for this variant. This variant has not been reported in individuals affected with BRCA2-related disorders in the literature. This variant has not been identified in the general population by the Genome Aggregation Database (gnomAD). The available evidence is insufficient to determine the role of this variant in disease conclusively. Therefore, this variant is classified as a Variant of Uncertain Significance.

Literature cited by the submitters: PubMed 33471991 (cited by Ambry Genetics).